The following is an entry in ClinVar:

NM_000277.3(PAH):c.385G>C (p.Asp129His)

Gene: PAH (phenylalanine hydroxylase; minus strand). Cytogenetic location: 12q23.2.
Variant type: single nucleotide variant.
Coding change: c.385G>C on transcript NM_000277.3 (MANE Select); coding-DNA position 385, G replaced by C.
Protein change: p.Asp129His; replaces aspartic acid 129 with histidine.
Molecular consequence: missense variant.
Genome position (GRCh38, 1-based): chr12:102,877,518, C>G on the plus strand (G>C on the coding strand, the complement: PAH is on the minus strand). VCF-style: chr12-102877518-C-G. GRCh37 (hg19) VCF-style: chr12-103271296-C-G.
Other names: c.385G>C, p.Asp129His (NM_001354304.2); short protein forms D129H.
Identifiers: ClinVar variation 2581517 (VCV002581517.1), dbSNP rs199475606, ClinGen allele CA386302215.
Genomic context (GRCh38, chr12:102,877,518, plus strand): 5'-TCACAGGGTGGTCAGCATCCAGTTCCGCTCCATAGCTGAGAATCTGATTGGCAAATCTGT[C>G]CAGCTCTTGAATGGTTCTTGGGAACCAGGGCACTGAAACACAGAGAAGGCAACGTCCTGA-3'
Protein context (NP_000268.1, residues 119-139): PWFPRTIQEL[Asp129His]RFANQILSYG

ClinVar aggregate classification (germline): Uncertain significance (1 of 4 stars; one submission).

Submission:

Women's Health and Genetics/Laboratory Corporation of America, LabCorp
Classification: Uncertain significance. Last evaluated: 2023-08-07. Review status: criteria provided, single submitter. Criteria: LabCorp Variant Classification Summary - May 2015. Collection method: clinical testing. Allele origin: germline.
Comment: Variant summary: PAH c.385G>C (p.Asp129His) results in a non-conservative amino acid change located in the Aromatic amino acid hydroxylase, C-terminal (IPR002912) of the encoded protein sequence. Five of five in-silico tools predict a damaging effect of the variant on protein function. The variant was absent in 251440 control chromosomes. The available data on variant occurrences in the general population are insufficient to allow any conclusion about variant significance. To our knowledge, no occurrence of c.385G>C in individuals affected with Phenylalanine Hydroxylase Deficiency (Phenylketonuria) and no experimental evidence demonstrating its impact on protein function have been reported. No submitters have cited clinical-significance assessments for this variant to ClinVar after 2014. Based on the evidence outlined above, the variant was classified as uncertain significance.